The following is an entry in ClinVar:

NM_004944.4(DNASE1L3):c.803C>G (p.Ala268Gly)

Gene: DNASE1L3 (deoxyribonuclease 1L3; minus strand). Cytogenetic location: 3p14.3.
Variant type: single nucleotide variant.
Coding change: c.803C>G on transcript NM_004944.4 (MANE Select); coding-DNA position 803, C replaced by G.
Protein change: p.Ala268Gly; replaces alanine 268 with glycine.
Molecular consequence: missense variant.
Genome position (GRCh38, 1-based): chr3:58,192,802, G>C on the plus strand (C>G on the coding strand, the complement: DNASE1L3 is on the minus strand). VCF-style: chr3-58192802-G-C. GRCh37 (hg19) VCF-style: chr3-58178529-G-C.
Other names: c.713C>G, p.Ala238Gly (NM_001256560.2); short protein forms A238G, A268G.
Identifiers: ClinVar variation 1484433 (VCV001484433.5), dbSNP rs113005222, ClinGen allele CA2469822.
Genomic context (GRCh38, chr3:58,192,802, plus strand): 5'-GTGAAGGCCCTTGAAGACTGTAGTTTAAATTCAACTGGAAAGTGGTCGCTGACATCCAGG[G>C]CCTATAAGGAGAAAGGGGAGGTAGACATGGAAATTAGGAGATGCCTGGGAGATGCTTTCA-3'
Protein context (NP_004935.1, residues 258-278): QKAYKLTEEE[Ala268Gly]LDVSDHFPVE

ClinVar aggregate classification (germline): Uncertain significance. Review status: criteria provided, multiple submitters, no conflicts (2 of 4 stars). 2 submissions from 2 submitters: Uncertain significance (2). Last evaluated 2023-12-11.

Conditions:
Autosomal systemic lupus erythematosus type 16. Also called: Systemic lupus erythematosus 16. Identifiers: Orphanet 300345, MedGen C3280742, MONDO:0013743, OMIM 614420.

Allele frequency attached by ClinVar (database versions not stated): TOPMed 0.00007; gnomAD 0.00009.
gnomAD v4.1: 61 of 1,612,536 alleles (0.0038%); highest among the groups gnomAD compares: African/African-American, 0.044%; no homozygotes.

Submissions (2):

Labcorp Genetics (formerly Invitae), Labcorp
Classification: Uncertain significance. Last evaluated: 2023-12-11. Review status: criteria provided, single submitter. Criteria: Invitae Variant Classification Sherloc (09022015). Collection method: clinical testing. Allele origin: germline.
Comment: This sequence change replaces alanine, which is neutral and non-polar, with glycine, which is neutral and non-polar, at codon 268 of the DNASE1L3 protein (p.Ala268Gly). This variant is present in population databases (rs113005222, gnomAD 0.03%). This variant has not been reported in the literature in individuals affected with DNASE1L3-related conditions. ClinVar contains an entry for this variant (Variation ID: 1484433). An algorithm developed to predict the effect of missense changes on protein structure and function (PolyPhen-2) suggests that this variant is likely to be disruptive. Experimental studies have shown that this missense change does not substantially affect DNASE1L3 function (PMID: 24206041). In summary, the available evidence is currently insufficient to determine the role of this variant in disease. Therefore, it has been classified as a Variant of Uncertain Significance.

Fulgent Genetics
Classification: Uncertain significance for Autosomal systemic lupus erythematosus type 16. Last evaluated: 2021-07-07. Review status: criteria provided, single submitter. Criteria: ACMG Guidelines, 2015. Collection method: clinical testing. Allele origin: unknown.

Literature cited by the submitters: PubMed 24206041 (cited by Labcorp Genetics (formerly Invitae), Labcorp).